The following is an entry in ClinVar:

ClinVar aggregate classification (germline): Uncertain significance (1 of 4 stars; one submission).

Conditions:
Intellectual developmental disorder, autosomal dominant 46. Also called: Intellectual disability, autosomal dominant 46; MENTAL RETARDATION, AUTOSOMAL DOMINANT 46. Identifiers: MedGen C4539851, MONDO:0030911, OMIM 617601.

Submission:

Foundation for Research in Genetics and Endocrinology, FRIGE's Institute of Human Genetics
Classification: Uncertain significance for Intellectual developmental disorder, autosomal dominant 46. Last evaluated: 2021-02-19. Review status: criteria provided, single submitter. Criteria: ACMG Guidelines, 2015. Collection method: research. Allele origin: paternal. Inheritance: Autosomal dominant inheritance. Affected: yes. Observed: 1 heterozygote.
Comment: A heterozygous missense variation in exon 5 of the KCNQ5 gene that results in the amino acid substitution of Alanine for Valine at codon 287 was detected. The observed variant c.860T>C (p.Val287Ala) has not been reported in the 1000 genomes and gnomAD databases. The in silico prediction of the variant are damaging by LRT and MutationTaster2. The reference codon is conserved across species. In summary, the variant meets our criteria to be classified as a variant of uncertain significance.

NM_019842.4(KCNQ5):c.860T>C (p.Val287Ala)

Gene: KCNQ5 (potassium voltage-gated channel subfamily Q member 5; plus strand). Cytogenetic location: 6q13.
Variant type: single nucleotide variant.
Coding change: c.860T>C on transcript NM_019842.4 (MANE Select); coding-DNA position 860, T replaced by C.
Protein change: p.Val287Ala; replaces valine 287 with alanine.
Molecular consequence: missense variant.
Genome position (GRCh38, 1-based): chr6:73,077,829, T>C. VCF-style: chr6-73077829-T-C. GRCh37 (hg19) VCF-style: chr6-73787552-T-C.
Other names: p.Val287Ala; c.860T>C, p.Val287Ala (NM_001160130.2, NM_001160132.2, NM_001160133.2 and 1 more transcripts); short protein forms V287A.
Identifiers: ClinVar variation 1803787 (VCV001803787.3), dbSNP rs2533593489, ClinGen allele CA364826641.